The following is an entry in ClinVar:

ClinVar aggregate classification (germline): Uncertain significance (1 of 4 stars; one submission).

Submission:

GeneDx
Classification: Uncertain significance. Last evaluated: 2025-02-13. Review status: criteria provided, single submitter. Criteria: GeneDx Variant Classification Process June 2021. Collection method: clinical testing. Allele origin: germline. Affected: yes.
Comment: Not observed at significant frequency in large population cohorts (gnomAD); In silico analysis supports that this missense variant has a deleterious effect on protein structure/function; Has not been previously published as pathogenic or benign to our knowledge

NM_002890.3(RASA1):c.1139A>G (p.Asp380Gly)

Genes: CCNH (cyclin H; minus strand), RASA1 (RAS p21 protein activator 1; plus strand). Cytogenetic location: 5q14.3.
Variant type: single nucleotide variant.
Coding change: c.1139A>G on transcript NM_002890.3 (MANE Select); coding-DNA position 1139, A replaced by G.
Protein change: p.Asp380Gly; replaces aspartic acid 380 with glycine.
Molecular consequence: missense variant. On other transcripts: intron variant (1).
Genome position (GRCh38, 1-based): chr5:87,349,250, A>G. VCF-style: chr5-87349250-A-G. GRCh37 (hg19) VCF-style: chr5-86645067-A-G.
Other names: c.608A>G, p.Asp203Gly (NM_022650.3); c.934-36455T>C (NM_001364075.2); short protein forms D203G, D380G.
Identifiers: ClinVar variation 4075596 (VCV004075596.1).
Genomic context (GRCh38, chr5:87,349,250, plus strand): 5'-AAACTAACAGCTTAATTCTTACAGTTGGTCAAGTCTGCAGTTTTCTTGTGAGGCCCTCAG[A>G]TAATACTCCTGGCGATTATTCACTTTATTTCCGGACCAATGAAAATATTCAGCGATTTAA-3'
Protein context (NP_002881.1, residues 370-390): QVCSFLVRPS[Asp380Gly]NTPGDYSLYF